The following is an entry in ClinVar:

NM_001035.3(RYR2):c.9586del (p.Ser3196fs)

Gene: RYR2 (ryanodine receptor 2; plus strand). Cytogenetic location: 1q43.
Variant type: Deletion.
Coding change: c.9586del on transcript NM_001035.3 (MANE Select); coding-DNA position 9586, one base deleted (A; older notation c.9586delA).
Protein change: p.Ser3196fs; shifts the reading frame from serine 3196.
Molecular consequence: frameshift variant.
Genome position (GRCh38, 1-based): chr1:237,706,954, A deleted. VCF-style (leftmost placement, unchanged base first): chr1-237706953-CA-C. GRCh37 (hg19) VCF-style: chr1-237870253-CA-C.
Other names: short protein forms S3196fs.
Identifiers: ClinVar variation 2956369 (VCV002956369.3), dbSNP rs2547400896, ClinGen allele CA2740092656.
Genomic context (GRCh38, chr1:237,706,953, plus strand): 5'-CATATCATCTCAGTACTTTCTTTGAATATCATCCATTTTTATATGTACTTCTCCAGCTCT[CA>C]GTTTGCCAACTAATGTGGAAGATGTTTGTCCAAACATACCGTCTTTGGAGAAACTCATGG-3'

ClinVar aggregate classification (germline): Uncertain significance (1 of 4 stars; one submission).

Conditions:
Catecholaminergic polymorphic ventricular tachycardia 1. Also called: VENTRICULAR TACHYCARDIA, CATECHOLAMINERGIC POLYMORPHIC, 1, WITH OR WITHOUT ATRIAL DYSFUNCTION AND/OR DILATED CARDIOMYOPATHY; RYR2-Related Catecholaminergic Polymorphic Ventricular Tachycardia; VENTRICULAR TACHYCARDIA, STRESS-INDUCED POLYMORPHIC 1. Identifiers: Orphanet 3286, MedGen C1631597, MONDO:0011484, OMIM 604772.

Submission:

Labcorp Genetics (formerly Invitae), Labcorp
Classification: Uncertain significance for Catecholaminergic polymorphic ventricular tachycardia 1. Last evaluated: 2023-03-27. Review status: criteria provided, single submitter. Criteria: Invitae Variant Classification Sherloc (09022015). Collection method: clinical testing. Allele origin: germline.
Comment: In summary, the available evidence is currently insufficient to determine the role of this variant in disease. Therefore, it has been classified as a Variant of Uncertain Significance. This variant has not been reported in the literature in individuals affected with RYR2-related conditions. This variant is not present in population databases (gnomAD no frequency). This sequence change creates a premature translational stop signal (p.Ser3196Valfs*26) in the RYR2 gene. It is expected to result in an absent or disrupted protein product. However, the current clinical and genetic evidence is not sufficient to establish whether loss-of-function variants in RYR2 cause disease.